The following is an entry in ClinVar:

NM_006070.6(TFG):c.776A>G (p.Gln259Arg)

Gene: TFG (trafficking from ER to golgi regulator; plus strand). Cytogenetic location: 3q12.2.
Variant type: single nucleotide variant.
Coding change: c.776A>G on transcript NM_006070.6 (MANE Select); coding-DNA position 776, A replaced by G.
Protein change: p.Gln259Arg; replaces glutamine 259 with arginine.
Molecular consequence: missense variant.
Genome position (GRCh38, 1-based): chr3:100,744,887, A>G. VCF-style: chr3-100744887-A-G. GRCh37 (hg19) VCF-style: chr3-100463731-A-G.
Other names: c.776A>G, p.Gln259Arg (NM_001007565.2, NM_001195478.2); c.764A>G, p.Gln255Arg (NM_001195479.2); short protein forms Q259R, Q255R.
Identifiers: ClinVar variation 1510236 (VCV001510236.6), dbSNP rs891678936, ClinGen allele CA79711922.

ClinVar aggregate classification (germline): Uncertain significance (1 of 4 stars; one submission).

Conditions:
Hereditary spastic paraplegia 57. Also called: Spastic paraplegia 57, autosomal recessive. Identifiers: Orphanet 431329, MedGen C3714897, MONDO:0014295, OMIM 615658.
Hereditary motor and sensory neuropathy, Okinawa type (HMSNO). Also called: HEREDITARY MOTOR AND SENSORY NEUROPATHY, PROXIMAL TYPE. Identifiers: Orphanet 90117, MedGen C1858338, MONDO:0011468, OMIM 604484.

Allele frequency attached by ClinVar (database versions not stated): gnomAD exomes below 0.00001.
gnomAD v4.1: 2 of 1,613,668 alleles (0.00012%); highest among the groups gnomAD compares: Non-Finnish European, 0.00017%; no homozygotes.

Submission:

Labcorp Genetics (formerly Invitae), Labcorp
Classification: Uncertain significance for Hereditary motor and sensory neuropathy, Okinawa type; Hereditary spastic paraplegia 57. Last evaluated: 2021-08-04. Review status: criteria provided, single submitter. Criteria: Invitae Variant Classification Sherloc (09022015). Collection method: clinical testing. Allele origin: germline.
Comment: This sequence change replaces glutamine with arginine at codon 259 of the TFG protein (p.Gln259Arg). The glutamine residue is highly conserved and there is a small physicochemical difference between glutamine and arginine. This variant is not present in population databases (ExAC no frequency). This variant has not been reported in the literature in individuals affected with TFG-related conditions. Algorithms developed to predict the effect of missense changes on protein structure and function (SIFT, PolyPhen-2, Align-GVGD) all suggest that this variant is likely to be tolerated. In summary, the available evidence is currently insufficient to determine the role of this variant in disease. Therefore, it has been classified as a Variant of Uncertain Significance.